The following is an entry in ClinVar:

ClinVar aggregate classification (germline): Uncertain significance (1 of 4 stars; one submission).

Conditions:
Hereditary cancer-predisposing syndrome. Also called: Neoplastic Syndromes, Hereditary; Tumor predisposition; Hereditary neoplastic syndrome; Hereditary Cancer Syndrome. Identifiers: Orphanet 140162, MedGen C0027672, MeSH D009386, MONDO:0015356.

Submission:

Ambry Genetics
Classification: Uncertain significance for Hereditary cancer-predisposing syndrome. Last evaluated: 2026-07-07. Review status: criteria provided, single submitter. Criteria: Ambry Variant Classification Scheme 2023. Collection method: clinical testing. Allele origin: germline.
Comment: The p.E310D variant (also known as c.930G>C), located in coding exon 7 of the CDH1 gene, results from a G to C substitution at nucleotide position 930. The glutamic acid at codon 310 is replaced by aspartic acid, an amino acid with highly similar properties. This amino acid position is conserved. In addition, this alteration is predicted to be tolerated by in silico analysis. Based on the available evidence, the clinical significance of this variant remains unclear.

NM_004360.5(CDH1):c.930G>C (p.Glu310Asp)

Gene: CDH1 (cadherin 1; plus strand). Cytogenetic location: 16q22.1.
Variant type: single nucleotide variant.
Coding change: c.930G>C on transcript NM_004360.5 (MANE Select); coding-DNA position 930, G replaced by C.
Protein change: p.Glu310Asp; replaces glutamic acid 310 with aspartic acid.
Molecular consequence: missense variant. On other transcripts: 5 prime UTR variant (2).
Genome position (GRCh38, 1-based): chr16:68,811,781, G>C. VCF-style: chr16-68811781-G-C. GRCh37 (hg19) VCF-style: chr16-68845684-G-C.
Other names: c.930G>C, p.Glu310Asp (NM_001317184.2); c.-686G>C (NM_001317185.2); c.-890G>C (NM_001317186.2); short protein forms E310D.
Identifiers: ClinVar variation 5033963 (VCV005033963.1).